The following is an entry in ClinVar:

NM_017736.5(THUMPD1):c.290del (p.Ala97fs)

Genes: THUMPD1 (THUMP domain 1 NAT10 acetyltransferase adaptor; minus strand), ACSM3 (acyl-CoA synthetase medium chain family member 3; plus strand). Cytogenetic location: 16p12.3.
Variant type: Deletion.
Coding change: c.290del on transcript NM_017736.5 (MANE Select); coding-DNA position 290, one base deleted (C; older notation c.290delC).
Protein change: p.Ala97fs; shifts the reading frame from alanine 97.
Molecular consequence: frameshift variant.
Genome position (GRCh38, 1-based): chr16:20,739,013, G deleted on the plus strand (C on the coding strand, the reverse complement: THUMPD1 is on the minus strand). VCF-style (leftmost placement, unchanged base first): chr16-20739012-AG-A. GRCh37 (hg19) VCF-style: chr16-20750334-AG-A.
Other names: c.290del, p.Ala97fs (NM_001304550.2); c.290delC (NM_017736.5); short protein forms A97fs.
Identifiers: ClinVar variation 2682550 (VCV002682550.1), dbSNP rs2549312956, ClinGen allele CA2697555684.

ClinVar aggregate classification (germline): Pathogenic (1 of 4 stars; one submission).

Conditions:
Neurodevelopmental disorder with speech delay and variable ocular anomalies (NEDSOA). Identifiers: MedGen C5774194, MONDO:0859272, OMIM 619989.

Submission:

Women's Health and Genetics/Laboratory Corporation of America, LabCorp
Classification: Pathogenic for Neurodevelopmental disorder with speech delay and variable ocular anomalies. Last evaluated: 2023-11-15. Review status: criteria provided, single submitter. Criteria: LabCorp Variant Classification Summary - May 2015. Collection method: clinical testing. Allele origin: germline.
Comment: Variant summary: THUMPD1 c.290delC (p.Ala97ValfsX3) results in a premature termination codon, predicted to cause a truncation of the encoded protein or absence of the protein due to nonsense mediated decay, which are commonly known mechanisms for disease. The variant was absent in 251480 control chromosomes. To our knowledge, no occurrence of c.290delC in individuals affected with Neurodevelopmental Disorder With Speech Delay And Variable Ocular Anomalies and no experimental evidence demonstrating its impact on protein function have been reported. No submitters have cited clinical-significance assessments for this variant to ClinVar after 2014. Based on the evidence outlined above, the variant was classified as pathogenic.